The following is an entry in ClinVar:

NM_001365951.3(KIF1B):c.2737T>G (p.Phe913Val)

Genes: KIF1B (kinesin family member 1B; plus strand), LOC126805614 (BRD4-independent group 4 enhancer GRCh37_chr1:10385546-10386745; plus strand). Cytogenetic location: 1p36.22.
Variant type: single nucleotide variant.
Coding change: c.2737T>G on transcript NM_001365951.3 (MANE Select); coding-DNA position 2737, T replaced by G.
Protein change: p.Phe913Val; replaces phenylalanine 913 with valine.
Molecular consequence: missense variant.
Genome position (GRCh38, 1-based): chr1:10,326,172, T>G. VCF-style: chr1-10326172-T-G. GRCh37 (hg19) VCF-style: chr1-10386230-T-G.
Other names: c.2737T>G, p.Phe913Val (NM_001365952.1); c.2599T>G, p.Phe867Val (NM_015074.3); short protein forms F867V, F913V.
Identifiers: ClinVar variation 4858883 (VCV004858883.1).

ClinVar aggregate classification (germline): Uncertain significance (1 of 4 stars; one submission).

gnomAD v4.1: 1 of 1,613,932 alleles (0.000062%); highest among the groups gnomAD compares: Admixed American, 0.0017%; no homozygotes.

Submission:

Ambry Genetics
Classification: Uncertain significance. Last evaluated: 2026-06-06. Review status: criteria provided, single submitter. Criteria: Ambry Variant Classification Scheme 2023. Collection method: clinical testing. Allele origin: germline.
Comment: The p.F867V variant (also known as c.2599T>G), located in coding exon 24 of the KIF1B gene, results from a T to G substitution at nucleotide position 2599. The phenylalanine at codon 867 is replaced by valine, an amino acid with highly similar properties. This amino acid position is conserved. In addition, this alteration is predicted to be deleterious by in silico analysis. Based on the available evidence, the clinical significance of this variant remains unclear.